The following is an entry in ClinVar:

NM_001363711.2(DUOX2):c.3789G>A (p.Val1263=)

Gene: DUOX2 (dual oxidase 2; minus strand). Cytogenetic location: 15q21.1.
Variant type: single nucleotide variant.
Coding change: c.3789G>A on transcript NM_001363711.2 (MANE Select); coding-DNA position 3789, G replaced by A.
Protein change: p.Val1263=; no amino-acid change (valine 1263 retained).
Molecular consequence: synonymous variant.
Genome position (GRCh38, 1-based): chr15:45,097,296, C>T on the plus strand (G>A on the coding strand, the complement: DUOX2 is on the minus strand). VCF-style: chr15-45097296-C-T. GRCh37 (hg19) VCF-style: chr15-45389494-C-T.
Other names: c.3789G>A (NM_014080.4); c.3789G>A, p.Val1263= (NM_014080.5).
Identifiers: ClinVar variation 1613211 (VCV001613211.10), dbSNP rs369176278, ClinGen allele CA7537730.
Genomic context (GRCh38, chr15:45,097,296, plus strand): 5'-ACCTGAGGGCAGCAGCTCCGCCTTCACCACGCTGATCTCCACCTTCTTCCGGCTCAGGCT[C>T]ACCAGCTTGTCACCTCCATAGATGATTGCCGGGACCAGGAAGTAGATGTGGAAAGTGGGC-3'
Protein context (NP_001350640.1, residues 1253-1273): PAIIYGGDKL[Val1263=]SLSRKKVEIS

ClinVar aggregate classification (germline): Likely benign. Review status: criteria provided, single submitter (1 of 4 stars). 2 submissions from 2 submitters: Likely benign (1). 1 of the submissions does not count toward it. Last evaluated 2026-01-07.

Conditions:
DUOX2-related disorder. Also called: DUOX2-related condition.

Allele frequency attached by ClinVar (database versions not stated): ExAC 0.00006; ESP Exome Variant Server 0.00008; gnomAD exomes 0.00008 and 0.00014; TOPMed 0.00008; gnomAD 0.00009 and 0.00011.
gnomAD v4.1: 210 of 1,614,150 alleles (0.013%); highest among the groups gnomAD compares: Non-Finnish European, 0.017%; no homozygotes.

Submissions (2):

Labcorp Genetics (formerly Invitae), Labcorp
Classification: Likely benign. Last evaluated: 2026-01-07. Review status: criteria provided, single submitter. Criteria: Invitae Variant Classification Sherloc (09022015). Collection method: clinical testing. Allele origin: germline.

PreventionGenetics, part of Exact Sciences
Classification: Likely benign for DUOX2-related condition. Last evaluated: 2019-06-06. Review status: no assertion criteria provided. Collection method: clinical testing. Allele origin: germline. Not counted in ClinVar's aggregate classification.
Comment: This variant is classified as likely benign based on ACMG/AMP sequence variant interpretation guidelines (Richards et al. 2015 PMID: 25741868, with internal and published modifications).